The following is an entry in ClinVar:

NM_001377.3(DYNC2H1):c.5291dup (p.Leu1765fs)

Gene: DYNC2H1 (dynein cytoplasmic 2 heavy chain 1; plus strand). Cytogenetic location: 11q22.3.
Variant type: Duplication.
Coding change: c.5291dup on transcript NM_001377.3 (MANE Select); coding-DNA position 5291, one base duplicated (C; older notation c.5291dupC).
Protein change: p.Leu1765fs; shifts the reading frame from leucine 1765.
Molecular consequence: frameshift variant.
Genome position (GRCh38, 1-based): chr11:103,171,025, C duplicated. VCF-style (leftmost placement, unchanged base first): chr11-103171024-G-GC. GRCh37 (hg19) VCF-style: chr11-103041753-G-GC.
Other names: c.5291dup, p.Leu1765fs (NM_001080463.2); short protein forms L1765fs.
Identifiers: ClinVar variation 2731857 (VCV002731857.3), dbSNP rs1414601779, ClinGen allele CA2697549104.

ClinVar aggregate classification (germline): Pathogenic (1 of 4 stars; one submission).

Conditions:
Jeune thoracic dystrophy. Also called: Short-rib thoracic dysplasia; Jeune syndrome; Infantile thoracic dystrophy; Thoracic pelvic phalangeal dystrophy; Jeune's syndrome; Chondroectodermal dysplasia-like syndrome. Identifiers: Orphanet 474, MedGen C0265275, MONDO:0018770.

Submission:

Labcorp Genetics (formerly Invitae), Labcorp
Classification: Pathogenic for Jeune thoracic dystrophy. Last evaluated: 2023-06-28. Review status: criteria provided, single submitter. Criteria: Invitae Variant Classification Sherloc (09022015). Collection method: clinical testing. Allele origin: germline.
Comment: For these reasons, this variant has been classified as Pathogenic. This variant has not been reported in the literature in individuals affected with DYNC2H1-related conditions. This variant is not present in population databases (gnomAD no frequency). This sequence change creates a premature translational stop signal (p.Leu1765Phefs*5) in the DYNC2H1 gene. It is expected to result in an absent or disrupted protein product. Loss-of-function variants in DYNC2H1 are known to be pathogenic (PMID: 23339108, 32753734).

Literature cited by the submitters: PubMed 23339108; PubMed 32753734.